The following is an entry in ClinVar:

NM_024298.5(MBOAT7):c.1322_1355dup (p.Ser453fs)

Gene: MBOAT7 (membrane bound O-acyltransferase domain containing 7; minus strand). Cytogenetic location: 19q13.42.
Variant type: Duplication.
Coding change: c.1322_1355dup on transcript NM_024298.5 (MANE Select); coding-DNA positions 1322 to 1355, 34 bases duplicated.
Protein change: p.Ser453fs; shifts the reading frame from serine 453.
Molecular consequence: frameshift variant.
Genome position (GRCh38, 1-based): chr19:54,174,108-54,174,141, 34 bases duplicated; duplicating any 34 consecutive bases within chr19:54,174,108-54,174,149 gives the same sequence; the c. name uses the placement nearest the transcript's 3' end. GRCh37 (hg19): chr19:54,677,810-54,677,843.
Other names: c.1103_1136dup, p.Ser380fs (NM_001146056.3, NM_001146083.3); short protein forms S380fs, S453fs.
Identifiers: ClinVar variation 1314381 (VCV001314381.2), dbSNP rs2146947523, ClinGen allele CA2573054827.

ClinVar aggregate classification (germline): Uncertain significance (1 of 4 stars; one submission).

Submission:

GeneDx
Classification: Uncertain significance. Last evaluated: 2021-03-26. Review status: criteria provided, single submitter. Criteria: GeneDx Variant Classification Process June 2021. Collection method: clinical testing. Allele origin: germline. Affected: yes.
Comment: Not observed in large population cohorts (Lek et al., 2016); Frameshift variant predicted to result in protein truncation as the last 20 amino acids are replaced with 73 different amino acids, although loss-of-function variants have not been reported downstream of this position in the protein; Has not been previously published as pathogenic or benign to our knowledge